The following is an entry in ClinVar:

NM_152296.5(ATP1A3):c.3013+1del

Gene: ATP1A3 (ATPase Na+/K+ transporting subunit alpha 3; minus strand). Cytogenetic location: 19q13.2.
Variant type: Deletion.
Coding change: c.3013+1del on transcript NM_152296.5 (MANE Select); the canonical splice donor site of the intron after coding-DNA position 3013, one base deleted (G; older notation c.3013+1delG).
Molecular consequence: splice donor variant.
Genome position (GRCh38, 1-based): chr19:41,967,248, C deleted on the plus strand (G on the coding strand, the reverse complement: ATP1A3 is on the minus strand); the first of 5 consecutive C bases (chr19:41,967,248-41,967,252); deleting any one gives the same sequence. VCF-style (leftmost placement, unchanged base first): chr19-41967247-AC-A. GRCh37 (hg19) VCF-style: chr19-42471399-AC-A.
Other names: c.3052+1del (NM_001256214.2); c.3046+1del (NM_001256213.2).
Identifiers: ClinVar variation 5009858 (VCV005009858.1).

ClinVar aggregate classification (germline): Uncertain significance (1 of 4 stars; one submission).

Submission:

GeneDx
Classification: Uncertain significance. Last evaluated: 2026-02-12. Review status: criteria provided, single submitter. Criteria: GeneDx Variant Classification Process June 2021. Collection method: clinical testing. Allele origin: germline.
Comment: Not observed at significant frequency in large population cohorts (gnomAD); Canonical splice site variant in a gene or region of a gene for which loss of function is not a well-established mechanism of disease; Has not been previously published as pathogenic or benign to our knowledge